The following is an entry in ClinVar:

NM_000038.6(APC):c.959C>G (p.Ser320Ter)

Gene: APC (APC regulator of Wnt signaling pathway; plus strand). Cytogenetic location: 5q22.2.
Variant type: single nucleotide variant.
Coding change: c.959C>G on transcript NM_000038.6 (MANE Select); coding-DNA position 959, C replaced by G.
Protein change: p.Ser320Ter; replaces serine 320 with a stop codon.
Molecular consequence: nonsense. On other transcripts: non-coding transcript variant (2), intron variant (15).
Genome position (GRCh38, 1-based): chr5:112,818,991, C>G. VCF-style: chr5-112818991-C-G. GRCh37 (hg19) VCF-style: chr5-112154688-C-G.
Other names: c.959C>G, p.Ser320Ter (NM_001127510.3, NM_001354895.2, NM_001354896.2 and 4 more transcripts); c.905C>G, p.Ser302Ter (NM_001127511.3); c.989C>G, p.Ser330Ter (NM_001354897.2, NM_001407446.1); c.884C>G, p.Ser295Ter (NM_001354898.2, NM_001407451.1); c.875C>G, p.Ser292Ter (NM_001354899.2, NM_001407452.1); c.782C>G, p.Ser261Ter (NM_001354900.2, NM_001354901.2, NM_001407453.1); c.110C>G, p.Ser37Ter (NM_001354906.2, NM_001407470.1); c.85-278C>G (NM_001407472.1, NM_001407471.1); and 5 more; short protein forms S261*, S292*, S295*, S302*, S320*, S330*, S37*.
Identifiers: ClinVar variation 3773091 (VCV003773091.1).
Genomic context (GRCh38, chr5:112,818,991, plus strand): 5'-TCGTAATTTTGTTTCTAAACTCATTTGGCCCACAGGTGGAAATGGTGTATTCATTGTTGT[C>G]AATGCTTGGTACTCATGATAAGGATGATATGTCGCGAACTTTGCTAGCTATGTCTAGCTC-3'

ClinVar aggregate classification (germline): Pathogenic (1 of 4 stars; one submission).

Conditions:
Familial adenomatous polyposis 1 (FAP1). Also called: POLYPOSIS, ADENOMATOUS INTESTINAL; FAMILIAL ADENOMATOUS POLYPOSIS 1, ATTENUATED. Identifiers: MedGen C2713442, MONDO:0021056, OMIM 175100. Disease mechanism: loss of function.

Submission:

Myriad Genetics, Inc.
Classification: Pathogenic for Familial adenomatous polyposis 1. Last evaluated: 2024-12-02. Review status: criteria provided, single submitter. Criteria: Myriad Autosomal Dominant, Autosomal Recessive and X-Linked Classification Criteria (2023). Collection method: clinical testing. Allele origin: unknown.
Comment: This variant is considered pathogenic. This variant creates a termination codon and is predicted to result in premature protein truncation.